The following is an entry in ClinVar:

ClinVar aggregate classification (germline): Conflicting classifications of pathogenicity. Review status: criteria provided, conflicting classifications (1 of 4 stars). 3 submissions from 3 submitters: Uncertain significance (2); Likely benign (1). Last evaluated 2025-09-07.

Conditions:
Oto-palato-digital syndrome, type II (OPD2). Also called: Otopalatodigital Syndrome, Type II; FACIOPALATOOSSEOUS SYNDROME; OPD II SYNDROME; Otopalatodigital Syndrome Type 2 (FLNA-OPD2). Identifiers: Orphanet 669, Orphanet 90652, MedGen C1844696, MONDO:0010571, OMIM 304120.
Frontometaphyseal dysplasia (FMD1). Identifiers: Orphanet 1826, MedGen C0265293, MONDO:0015942.
Heterotopia, periventricular, X-linked dominant (PVNH1). Also called: PERIVENTRICULAR NODULAR HETEROTOPIA 1; X-linked periventricular heterotopia; PERIVENTRICULAR NODULAR HETEROTOPIA 4; HETEROTOPIA, PERIVENTRICULAR, 1. Identifiers: Orphanet 2149, Orphanet 82004, MedGen C1848213, MONDO:0010233, OMIM 300049.
Melnick-Needles syndrome (MNS). Also called: MELNICK-NEEDLES OSTEODYSPLASTY; OSTEODYSPLASTY OF MELNICK AND NEEDLES; Melnick-Needles Syndrome (FLNA-MNS). Identifiers: Orphanet 2484, MedGen C0025237, MONDO:0010650, OMIM 309350.
Familial thoracic aortic aneurysm and aortic dissection (TAAD). Also called: Thoracic aortic aneurysms and dissections. Identifiers: Orphanet 91387, MedGen C4707243, MONDO:0019625.

Allele frequency attached by ClinVar (database versions not stated): ExAC 0.00001; gnomAD 0.00001; gnomAD exomes 0.00001; TOPMed 0.00001.
gnomAD v4.1: 12 of 1,209,606 alleles (0.00099%); highest among the groups gnomAD compares: Non-Finnish European, 0.0012%; no homozygotes.

Submissions (3):

Labcorp Genetics (formerly Invitae), Labcorp
Classification: Likely benign for Oto-palato-digital syndrome, type II; Heterotopia, periventricular, X-linked dominant; Frontometaphyseal dysplasia; Melnick-Needles syndrome. Last evaluated: 2025-09-07. Review status: criteria provided, single submitter. Criteria: Invitae Variant Classification Sherloc (09022015). Collection method: clinical testing. Allele origin: germline.

Ambry Genetics
Classification: Uncertain significance for Familial thoracic aortic aneurysm and aortic dissection. Last evaluated: 2017-05-17. Review status: criteria provided, single submitter. Criteria: Ambry Variant Classification Scheme 2023. Collection method: clinical testing. Allele origin: germline.
Comment: The p.N1556D variant (also known as c.4666A>G), located in coding exon 27 of the FLNA gene, results from an A to G substitution at nucleotide position 4666. The asparagine at codon 1556 is replaced by aspartic acid, an amino acid with highly similar properties. This amino acid position is well conserved in available vertebrate species; however, aspartic acid is the reference amino acid in other vertebrate species. In addition, this alteration is predicted to be tolerated by in silico analysis. Since supporting evidence is limited at this time, the clinical significance of this alteration remains unclear.

GeneDx
Classification: Uncertain significance. Last evaluated: 2017-02-27. Review status: criteria provided, single submitter. Criteria: GeneDx Variant Classification (06012015). Collection method: clinical testing. Allele origin: germline. Affected: yes.
Comment: The N1556D variant has not been published as a mutation or as a benign polymorphism to our knowledge. The N1556D variant was not observed in approximately 6,400 individuals of European and African American ancestry in the NHLBI Exome Sequencing Project, indicating it is not a common benign variant in these populations. This substitution occurs at a position that is conserved across species. The N1556D variant is a semi-conservative amino acid substitution, which may impact secondary protein structure as these residues differ in some properties. In silico analysis is inconsistent in its predictions, however at least two models predict this substitution likely does not alter the protein structure/function. In addition, no missense mutations in nearby residues have been reported in association with disease, indicating this region of the protein may be tolerant of change. Therefore, based on the currently available information, it is unclear whether this variant is a pathogenic mutation or a rare benign variant. This variant was found in TAAD

NM_001110556.2(FLNA):c.4666A>G (p.Asn1556Asp)

Gene: FLNA (filamin A; minus strand). Cytogenetic location: Xq28.
Variant type: single nucleotide variant.
Coding change: c.4666A>G on transcript NM_001110556.2 (MANE Select); coding-DNA position 4666, A replaced by G.
Protein change: p.Asn1556Asp; replaces asparagine 1556 with aspartic acid.
Molecular consequence: missense variant.
Genome position (GRCh38, 1-based): chrX:154,358,288, T>C on the plus strand (A>G on the coding strand, the complement: FLNA is on the minus strand). VCF-style: chrX-154358288-T-C. GRCh37 (hg19) VCF-style: chrX-153586656-T-C.
Other names: p.N1556D:AAC>GAC; c.4666A>G, p.Asn1556Asp (NM_001456.4); short protein forms N1556D.
Identifiers: ClinVar variation 213507 (VCV000213507.11), dbSNP rs782605190, ClinGen allele CA323968.